The following is an entry in ClinVar:

NM_000257.4(MYH7):c.1886C>T (p.Ala629Val)

Gene: MYH7 (myosin heavy chain 7; minus strand). Cytogenetic location: 14q11.2.
Variant type: single nucleotide variant.
Coding change: c.1886C>T on transcript NM_000257.4 (MANE Select); coding-DNA position 1886, C replaced by T.
Protein change: p.Ala629Val; replaces alanine 629 with valine.
Molecular consequence: missense variant.
Genome position (GRCh38, 1-based): chr14:23,427,587, G>A on the plus strand (C>T on the coding strand, the complement: MYH7 is on the minus strand). VCF-style: chr14-23427587-G-A. GRCh37 (hg19) VCF-style: chr14-23896796-G-A.
Other names: short protein forms A629V.
Identifiers: ClinVar variation 1051194 (VCV001051194.12), dbSNP rs140824103, ClinGen allele CA029542.
Genomic context (GRCh38, chr14:23,427,587, plus strand): 5'-CTCAGAACCTTGGCAGAATCCCTGCTCCTCTGTACCGGGAGCCTCAGTCCCTACTTACGC[G>A]CATCAGCCCCAGCATAGTTGGCAAACAGGGTGCTGAGCAGCTTGAGGGAAGACTTCTGAT-3'
Protein context (NP_000248.2, residues 619-639): TLFANYAGAD[Ala629Val]PIEKGKGKAK

ClinVar aggregate classification (germline): Uncertain significance. Review status: criteria provided, multiple submitters, no conflicts (2 of 4 stars). 5 submissions from 5 submitters: Uncertain significance (5). Last evaluated 2026-09-21.

Conditions:
Cardiomyopathy (CMYO). Also called: Cardiomyopathies. Identifiers: Orphanet 167848, MedGen C0878544, MONDO:0004994, HP:0001638. Inheritance: Various modes of inheritance.
Hypertrophic cardiomyopathy. Also called: HYPERTROPHIC MYOCARDIOPATHY. Identifiers: Orphanet 217569, MedGen C0007194, MeSH D002312, MONDO:0005045, HP:0001639.
Dilated cardiomyopathy 1S (CMD1S). Identifiers: Orphanet 154, Orphanet 54260, MedGen C1834481, MONDO:0013262, OMIM 613426.
Myopathy, myosin storage, autosomal recessive (CMYO7B). Also called: CONGENITAL MYOPATHY 7B, MYOSIN STORAGE, AUTOSOMAL RECESSIVE. Identifiers: Orphanet 636970, MedGen C1850709, MONDO:0009708, OMIM 255160.
Myosin storage myopathy (CMYO7A). Also called: MYOPATHY, HYALINE BODY, AUTOSOMAL DOMINANT; MYH7-related late-onset scapuloperoneal muscular dystrophy; Congenital myopathy 7A, myosin storage, autosomal dominant; Scapuloperoneal myopathy, MYH7-related; MYOPATHY WITH LYSIS OF TYPE I MYOFIBRILS; SCAPULOPERONEAL MUSCULAR DYSTROPHY. Identifiers: Orphanet 437572, Orphanet 636965, MedGen C1842160, MONDO:0008409, OMIM 608358.
MYH7-related skeletal myopathy. Also called: Laing distal myopathy; Myopathy, distal, 1; MYOPATHY, DISTAL, EARLY-ONSET, AUTOSOMAL DOMINANT; MYOPATHY, LATE DISTAL HEREDITARY; Laing early-onset distal myopathy. Identifiers: Orphanet 59135, MedGen C4552004, MONDO:0008050, OMIM 160500.
Cardiovascular phenotype. Identifiers: MedGen CN230736.

Allele frequency attached by ClinVar (database versions not stated): gnomAD exomes 0.00001 and 0.00002; gnomAD 0.00001; TOPMed 0.00001; ESP Exome Variant Server 0.00008.
gnomAD v4.1: 20 of 1,613,816 alleles (0.0012%); highest among the groups gnomAD compares: Admixed American, 0.0033%; no homozygotes.

Submissions (5):

Molecular Diagnostic Laboratory for Inherited Cardiovascular Disease, Montreal Heart Institute
Classification: Uncertain significance for Cardiovascular phenotype. Last evaluated: 2026-09-21. Review status: criteria provided, single submitter. Criteria: ACMG Guidelines, 2015. Collection method: clinical testing. Allele origin: germline. Affected: yes.
Comment: PM1, PM2

Labcorp Genetics (formerly Invitae), Labcorp
Classification: Uncertain significance for Hypertrophic cardiomyopathy. Last evaluated: 2025-12-30. Review status: criteria provided, single submitter. Criteria: Invitae Variant Classification Sherloc (09022015). Collection method: clinical testing. Allele origin: germline.
Comment: This sequence change replaces alanine, which is neutral and non-polar, with valine, which is neutral and non-polar, at codon 629 of the MYH7 protein (p.Ala629Val). This variant is present in population databases (rs140824103, gnomAD 0.007%). This variant has not been reported in the literature in individuals affected with MYH7-related conditions. ClinVar contains an entry for this variant (Variation ID: 1051194). An algorithm developed to predict the effect of missense changes on protein structure and function (PolyPhen-2) suggests that this variant is likely to be tolerated. Algorithms developed to predict the effect of sequence changes on RNA splicing suggest that this variant may create or strengthen a splice site. This variant is found within a region of MYH7 between codons 181 and 937 that contains the majority of the myosin head domain. Missense variants in this region have been shown to be significantly overrepresented in individuals with hypertrophic cardiomyopathy (PMID: 27532257). In summary, the available evidence is currently insufficient to determine the role of this variant in disease. Therefore, it has been classified as a Variant of Uncertain Significance.

Color Diagnostics, LLC DBA Color Health
Classification: Uncertain significance for Cardiomyopathy. Last evaluated: 2025-10-21. Review status: criteria provided, single submitter. Criteria: ACMG Guidelines, 2015. Collection method: clinical testing. Allele origin: germline.
Comment: This missense variant replaces alanine with valine at codon 629 of the MYH7 protein. Computational prediction suggests that this variant may not impact protein structure and function. To our knowledge, functional studies have not been reported for this variant. This variant has not been reported in individuals affected with MYH7-related disorders in the literature. This variant has been identified in 20/1613816 chromosomes in the general population by the Genome Aggregation Database (gnomAD). The available evidence is insufficient to determine the role of this variant in disease conclusively. Therefore, this variant is classified as a Variant of Uncertain Significance.

Ambry Genetics
Classification: Uncertain significance for Cardiovascular phenotype. Last evaluated: 2023-09-06. Review status: criteria provided, single submitter. Criteria: Ambry Variant Classification Scheme 2023. Collection method: clinical testing. Allele origin: germline.
Comment: The p.A629V variant (also known as c.1886C>T), located in coding exon 14 of the MYH7 gene, results from a C to T substitution at nucleotide position 1886. The alanine at codon 629 is replaced by valine, an amino acid with similar properties. This amino acid position is not well conserved in available vertebrate species. In addition, this alteration is predicted to be tolerated by in silico analysis. Since supporting evidence is limited at this time, the clinical significance of this alteration remains unclear.

Department of Pathology and Laboratory Medicine, Sinai Health System
Classification: Uncertain significance for Dilated cardiomyopathy 1S; MYH7-related skeletal myopathy; Myopathy, myosin storage, autosomal recessive; Myosin storage myopathy. Last evaluated: 2023-03-01. Review status: criteria provided, single submitter. Criteria: ACMG Guidelines, 2015. Collection method: research. Allele origin: germline.

Literature cited by the submitters: PubMed 27532257 (cited by Labcorp Genetics (formerly Invitae), Labcorp).